The following is an entry in ClinVar:

ClinVar aggregate classification (germline): Pathogenic/Likely pathogenic. Review status: criteria provided, multiple submitters, no conflicts (2 of 4 stars). 2 submissions from 2 submitters: Pathogenic (1); Likely pathogenic (1). Last evaluated 2022-03-04.

Conditions:
Ventriculomegaly-cystic kidney disease. Also called: Ventriculomegaly with cystic kidney disease. Identifiers: Orphanet 443988, MedGen C1857423, MONDO:0009063, OMIM 219730.
Focal segmental glomerulosclerosis 9 (FSGS9). Identifiers: Orphanet 656, MedGen C4015555, MONDO:0014539, OMIM 616220.

Allele frequency attached by ClinVar (database versions not stated): ESP Exome Variant Server 0.00008.
gnomAD v4.1: 8 of 1,611,378 alleles (0.0005%); highest among the groups gnomAD compares: Admixed American, 0.0017%; no homozygotes.

Submissions (2):

Fulgent Genetics
Classification: Likely pathogenic for Ventriculomegaly-cystic kidney disease; Focal segmental glomerulosclerosis 9. Last evaluated: 2022-03-04. Review status: criteria provided, single submitter. Criteria: ACMG Guidelines, 2015. Collection method: clinical testing. Allele origin: unknown.

Labcorp Genetics (formerly Invitae), Labcorp
Classification: Pathogenic. Last evaluated: 2021-06-01. Review status: criteria provided, single submitter. Criteria: Invitae Variant Classification Sherloc (09022015). Collection method: clinical testing. Allele origin: germline.
Comment: This sequence change creates a premature translational stop signal (p.Cys105*) in the CRB2 gene. It is expected to result in an absent or disrupted protein product. Loss-of-function variants in CRB2 are known to be pathogenic (PMID: 27942854, 30212996). This variant is present in population databases (rs149815227, ExAC 0.002%). This variant has not been reported in the literature in individuals with CRB2-related conditions. For these reasons, this variant has been classified as Pathogenic.

Literature cited by the submitters: PubMed 27942854 (cited by Labcorp Genetics (formerly Invitae), Labcorp); PubMed 30212996 (cited by Labcorp Genetics (formerly Invitae), Labcorp).

NM_173689.7(CRB2):c.315C>A (p.Cys105Ter)

Gene: CRB2 (crumbs cell polarity complex component 2; plus strand). Cytogenetic location: 9q33.3.
Variant type: single nucleotide variant.
Coding change: c.315C>A on transcript NM_173689.7 (MANE Select); coding-DNA position 315, C replaced by A.
Protein change: p.Cys105Ter; replaces cysteine 105 with a stop codon.
Molecular consequence: nonsense.
Genome position (GRCh38, 1-based): chr9:123,363,085, C>A. VCF-style: chr9-123363085-C-A. GRCh37 (hg19) VCF-style: chr9-126125364-C-A.
Other names: short protein forms C105*.
Identifiers: ClinVar variation 1457188 (VCV001457188.7), dbSNP rs149815227, ClinGen allele CA5231606.